The following is an entry in ClinVar:

ClinVar aggregate classification (germline): Uncertain significance (1 of 4 stars; one submission).

Conditions:
Autosomal recessive limb-girdle muscular dystrophy type 2J (LGMDR10). Also called: Limb-girdle muscular dystrophy, type 2J; MUSCULAR DYSTROPHY, LIMB-GIRDLE, AUTOSOMAL RECESSIVE 10. Identifiers: Orphanet 140922, MedGen C1837342, MONDO:0012127, OMIM 608807.
Dilated cardiomyopathy 1G (CMD1G). Identifiers: Orphanet 154, MedGen C1858763, MONDO:0011400, OMIM 604145.

gnomAD v4.1: 1 of 1,613,936 alleles (0.000062%); highest among the groups gnomAD compares: Non-Finnish European, 0.000085%; no homozygotes.

Submission:

Labcorp Genetics (formerly Invitae), Labcorp
Classification: Uncertain significance for Dilated cardiomyopathy 1G; Autosomal recessive limb-girdle muscular dystrophy type 2J. Last evaluated: 2025-07-10. Review status: criteria provided, single submitter. Criteria: Invitae Variant Classification Sherloc (09022015). Collection method: clinical testing. Allele origin: germline.
Comment: This sequence change replaces glutamic acid, which is acidic and polar, with glutamine, which is neutral and polar, at codon 34286 of the TTN protein (p.Glu34286Gln). This variant is not present in population databases (gnomAD no frequency). This variant has not been reported in the literature in individuals affected with TTN-related conditions. Experimental studies and prediction algorithms are not available or were not evaluated, and the functional significance of this variant is currently unknown. This variant is located in the M band of TTN (PMID: 25589632). Non-truncating variants in this region may be relevant for neuromuscular disorders, but have not been definitively shown to cause cardiomyopathy (PMID: 23975875). In summary, the available evidence is currently insufficient to determine the role of this variant in disease. Therefore, it has been classified as a Variant of Uncertain Significance.

Literature cited by the submitters: PubMed 25589632; PubMed 23975875.

NM_001267550.2(TTN):c.102856G>C (p.Glu34286Gln)

Genes: TTN (titin; minus strand), TTN-AS1 (TTN antisense RNA 1; plus strand). Cytogenetic location: 2q31.2.
Variant type: single nucleotide variant.
Coding change: c.102856G>C on transcript NM_001267550.2 (MANE Select); coding-DNA position 102856, G replaced by C.
Protein change: p.Glu34286Gln; replaces glutamic acid 34286 with glutamine.
Molecular consequence: missense variant.
Genome position (GRCh38, 1-based): chr2:178,533,759, C>G on the plus strand (G>C on the coding strand, the complement: TTN is on the minus strand). VCF-style: chr2-178533759-C-G. GRCh37 (hg19) VCF-style: chr2-179398486-C-G.
Other names: c.97933G>C, p.Glu32645Gln (NM_001256850.1); c.75661G>C, p.Glu25221Gln (NM_003319.4); c.95152G>C, p.Glu31718Gln (NM_133378.4); c.76036G>C, p.Glu25346Gln (NM_133432.3); c.76237G>C, p.Glu25413Gln (NM_133437.4); short protein forms E34286Q, E25221Q, E25346Q, E32645Q, E25413Q, E31718Q.
Identifiers: ClinVar variation 4785455 (VCV004785455.1).